The following is an entry in ClinVar:

ClinVar aggregate classification (germline): Uncertain significance (1 of 4 stars; one submission).

gnomAD v4.1: 35 of 1,613,908 alleles (0.0022%); highest among the groups gnomAD compares: East Asian, 0.056%; no homozygotes.

Submission:

ARUP Laboratories, Molecular Genetics and Genomics, ARUP Laboratories
Classification: Uncertain significance. Last evaluated: 2022-03-10. Review status: criteria provided, single submitter. Criteria: ARUP Molecular Germline Variant Investigation Process 2021. Collection method: clinical testing. Allele origin: germline.
Comment: The FGFR2 c.1349G>A; p.Arg450His variant (rs773245022), to our knowledge, is not reported in the medical literature or gene specific databases. This variant is found in the East Asian population with an allele frequency of 0.035% (7/19936 alleles) in the Genome Aggregation Database. The arginine at codon 450 is highly conserved, and computational analyses are uncertain whether this variant is neutral or deleterious (REVEL: 0.676). Additionally, another variant at this codon (c.1348C>T; p.Arg450Cys) has been reported in an individuals with craniosynostosis (Al-Dewik 2019). Due to limited information, the clinical significance of the p.Arg450His variant is uncertain at this time. References: Al-Dewik N et al. Clinical exome sequencing in 509 Middle Eastern families with suspected Mendelian diseases: The Qatari experience. Am J Med Genet A. 2019 Jun;179(6):927-935. PMID: 30919572.

NM_000141.5(FGFR2):c.1349G>A (p.Arg450His)

Gene: FGFR2 (fibroblast growth factor receptor 2; minus strand). Cytogenetic location: 10q26.13.
Variant type: single nucleotide variant.
Coding change: c.1349G>A on transcript NM_000141.5 (MANE Select); coding-DNA position 1349, G replaced by A.
Protein change: p.Arg450His; replaces arginine 450 with histidine.
Molecular consequence: missense variant. On other transcripts: non-coding transcript variant (1).
Genome position (GRCh38, 1-based): chr10:121,503,880, C>T on the plus strand (G>A on the coding strand, the complement: FGFR2 is on the minus strand). VCF-style: chr10-121503880-C-T. GRCh37 (hg19) VCF-style: chr10-123263394-C-T.
Other names: c.1352G>A, p.Arg451His (NM_001144913.1, NM_022970.4); c.1013G>A, p.Arg338His (NM_001144914.1); c.1082G>A, p.Arg361His (NM_001144915.2, NM_023029.3); c.1004G>A, p.Arg335His (NM_001144916.2); c.1001G>A, p.Arg334His (NM_001144917.2); c.998G>A, p.Arg333His (NM_001144918.2); c.1085G>A, p.Arg362His (NM_001144919.2); c.665G>A, p.Arg222His (NM_001320654.2); and 1 more; short protein forms R222H, R333H, R334H, R335H, R338H, R361H, R362H, R448H.
Identifiers: ClinVar variation 2428568 (VCV002428568.3), dbSNP rs773245022, ClinGen allele CA5720766.
Genomic context (GRCh38, chr10:121,503,880, plus strand): 5'-TCTGGAAGTTCATACTCGGAGACCCCTGCCAGCATGGGGGTGTCTGCCGTTGAAGAGAGG[C>T]GTGTTGTTATCCTCACCAGCGGGGTGTTGGAGTTCATGGAGGAGCTGGACTCAGCCGAAA-3'
Protein context (NP_000132.3, residues 440-460): SNTPLVRITT[Arg450His]LSSTADTPML